The following is an entry in ClinVar:

ClinVar aggregate classification (germline): Likely benign. Review status: criteria provided, single submitter (1 of 4 stars). 2 submissions from 2 submitters: Likely benign (1). 1 of the submissions does not count toward it. Last evaluated 2017-10-17.

Conditions:
GTF2IRD1-related disorder. Also called: GTF2IRD1-related condition.

Allele frequency attached by ClinVar (database versions not stated): ExAC 0.00002; gnomAD exomes 0.00003 and 0.00011; TOPMed 0.00007; ESP Exome Variant Server 0.00008; gnomAD 0.00010.
gnomAD v4.1: 181 of 1,613,008 alleles (0.011%); highest among the groups gnomAD compares: Non-Finnish European, 0.013%; no homozygotes.

Submissions (2):

Labcorp Genetics (formerly Invitae), Labcorp
Classification: Likely benign. Last evaluated: 2017-10-17. Review status: criteria provided, single submitter. Criteria: Invitae Variant Classification Sherloc (09022015). Collection method: clinical testing. Allele origin: germline.

PreventionGenetics, part of Exact Sciences
Classification: Likely benign for GTF2IRD1-related condition. Last evaluated: 2019-07-23. Review status: no assertion criteria provided. Collection method: clinical testing. Allele origin: germline. Not counted in ClinVar's aggregate classification.
Comment: This variant is classified as likely benign based on ACMG/AMP sequence variant interpretation guidelines (Richards et al. 2015 PMID: 25741868, with internal and published modifications).

NM_005685.4(GTF2IRD1):c.1758C>T (p.Pro586=)

Gene: GTF2IRD1 (GTF2I repeat domain containing 1; plus strand). Cytogenetic location: 7q11.23.
Variant type: single nucleotide variant.
Coding change: c.1758C>T on transcript NM_005685.4 (MANE Select); coding-DNA position 1758, C replaced by T.
Protein change: p.Pro586=; no amino-acid change (proline 586 retained).
Molecular consequence: synonymous variant.
Genome position (GRCh38, 1-based): chr7:74,547,128, C>T. VCF-style: chr7-74547128-C-T. GRCh37 (hg19) VCF-style: chr7-73961458-C-T.
Other names: c.1854C>T, p.Pro618= (NM_001199207.2); c.1758C>T, p.Pro586= (NM_016328.3); c.1854C>T (NM_001199207.1).
Identifiers: ClinVar variation 725438 (VCV000725438.5), dbSNP rs371997506, ClinGen allele CA4297044.